The following is an entry in ClinVar:

ClinVar aggregate classification (germline): Likely pathogenic (1 of 4 stars; one submission).

Conditions:
Ehlers-Danlos syndrome, type 4 (EDSVASC). Also called: Ehlers-Danlos syndrome vascular type; Ehlers Danlos syndrome, ecchymotic type; Ehlers Danlos syndrome, arterial type; Ehlers Danlos syndrome, Sack-Barabas type; Ehlers-Danlos Syndrome Type IV. Identifiers: Orphanet 286, MedGen C0268338, MONDO:0017314, OMIM 130050.

Submission:

Juno Genomics, Hangzhou Juno Genomics, Inc
Classification: Likely pathogenic for Ehlers-Danlos syndrome, type 4. Review status: criteria provided, single submitter. Criteria: ACMG Guidelines, 2015. Collection method: clinical testing. Allele origin: germline.
Comment: Multiple lines of computational evidence support a deleterious effect on the gene or gene product.;Absent from controls (or at extremely low frequency if recessive) in Genome Aggregation Database.;Missense variant in a gene that has a low rate of benign missense variation.;Located in a mutational hot spot and/or critical and well-established functional domain without benign variation.;Novel missense change at an amino acid residue where a different missense change determined to be pathogenic has been seen before.

NM_000090.4(COL3A1):c.3320G>C (p.Gly1107Ala)

Gene: COL3A1 (collagen type III alpha 1 chain; plus strand). Cytogenetic location: 2q32.2.
Variant type: single nucleotide variant.
Coding change: c.3320G>C on transcript NM_000090.4 (MANE Select); coding-DNA position 3320, G replaced by C.
Protein change: p.Gly1107Ala; replaces glycine 1107 with alanine.
Molecular consequence: missense variant.
Genome position (GRCh38, 1-based): chr2:189,007,564, G>C. VCF-style: chr2-189007564-G-C. GRCh37 (hg19) VCF-style: chr2-189872290-G-C.
Other names: short protein forms G1107A.
Identifiers: ClinVar variation 3383165 (VCV003383165.3).